The following is an entry in ClinVar:

NM_020975.6(RET):c.1756C>T (p.Leu586Phe)

Gene: RET (ret proto-oncogene; plus strand). Cytogenetic location: 10q11.21.
Variant type: single nucleotide variant.
Coding change: c.1756C>T on transcript NM_020975.6 (MANE Select); coding-DNA position 1756, C replaced by T.
Protein change: p.Leu586Phe; replaces leucine 586 with phenylalanine.
Molecular consequence: missense variant.
Genome position (GRCh38, 1-based): chr10:43,112,960, C>T. VCF-style: chr10-43112960-C-T. GRCh37 (hg19) VCF-style: chr10-43608408-C-T.
Other names: c.1756C>T, p.Leu586Phe (NM_000323.2, NM_001406743.1, NM_001406744.1 and 6 more transcripts); c.994C>T, p.Leu332Phe (NM_001355216.2); c.1627C>T, p.Leu543Phe (NM_001406761.1, NM_001406762.1, NM_001406764.1 and 1 more transcripts); c.1468C>T, p.Leu490Phe (NM_001406766.1, NM_001406767.1, NM_001406770.1); c.1360C>T, p.Leu454Phe (NM_001406769.1, NM_001406772.1); c.1318C>T, p.Leu440Phe (NM_001406771.1, NM_001406773.1); c.1231C>T, p.Leu411Phe (NM_001406774.1); c.1030C>T, p.Leu344Phe (NM_001406775.1, NM_001406776.1, NM_001406777.1 and 1 more transcripts); and 5 more; short protein forms L586F, L332F, L244F, L440F, L454F, L191F, L103F, L287F.
Identifiers: ClinVar variation 477325 (VCV000477325.14), dbSNP rs777604634, ClinGen allele CA035296.

ClinVar aggregate classification (germline): Uncertain significance. Review status: criteria provided, multiple submitters, no conflicts (2 of 4 stars). 3 submissions from 3 submitters: Uncertain significance (3). Last evaluated 2025-12-14.

Conditions:
Multiple endocrine neoplasia, type 2 (MEN2). Identifiers: Orphanet 653, MedGen C4048306, MONDO:0019003. Disease mechanism: gain of function.
Hereditary cancer-predisposing syndrome. Also called: Neoplastic Syndromes, Hereditary; Hereditary Cancer Syndrome; Hereditary neoplastic syndrome; Tumor predisposition. Identifiers: Orphanet 140162, MedGen C0027672, MeSH D009386, MONDO:0015356.
Hirschsprung disease, susceptibility to, 1 (HSCR1). Also called: RET-Related Hirschsprung Disease. Identifiers: Orphanet 388, MedGen C3888239, MONDO:0007723, OMIM 142623.

Allele frequency attached by ClinVar (database versions not stated): TOPMed below 0.00001; ExAC 0.00001; gnomAD exomes 0.00001 and 0.00003.
gnomAD v4.1: 24 of 1,613,202 alleles (0.0015%); highest among the groups gnomAD compares: Middle Eastern, 0.016%; no homozygotes.

Submissions (3):

Labcorp Genetics (formerly Invitae), Labcorp
Classification: Uncertain significance for Multiple endocrine neoplasia, type 2. Last evaluated: 2025-12-14. Review status: criteria provided, single submitter. Criteria: Invitae Variant Classification Sherloc (09022015). Collection method: clinical testing. Allele origin: germline.
Comment: This sequence change replaces leucine, which is neutral and non-polar, with phenylalanine, which is neutral and non-polar, at codon 586 of the RET protein (p.Leu586Phe). This variant is present in population databases (rs777604634, gnomAD 0.002%). This missense change has been observed in individual(s) with breast cancer (PMID: 34646395). ClinVar contains an entry for this variant (Variation ID: 477325). An algorithm developed to predict the effect of missense changes on protein structure and function (PolyPhen-2) suggests that this variant is likely to be disruptive. In summary, the available evidence is currently insufficient to determine the role of this variant in disease. Therefore, it has been classified as a Variant of Uncertain Significance.

Ambry Genetics
Classification: Uncertain significance for Hereditary cancer-predisposing syndrome. Last evaluated: 2025-03-24. Review status: criteria provided, single submitter. Criteria: Ambry Variant Classification Scheme 2023. Collection method: clinical testing. Allele origin: germline.
Comment: The p.L586F variant (also known as c.1756C>T), located in coding exon 9 of the RET gene, results from a C to T substitution at nucleotide position 1756. The leucine at codon 586 is replaced by phenylalanine, an amino acid with highly similar properties. This alteration was identified in a cohort of 30 Moroccan women with early onset triple negative breast cancer who underwent multi-gene panel testing (Laraqui A et al. J Genomics, 2021 Sep;9:43-54). This amino acid position is not well conserved in available vertebrate species. In addition, the in silico prediction for this alteration is inconclusive. Since supporting evidence is limited at this time, the clinical significance of this alteration remains unclear.

Baylor Genetics
Classification: Uncertain significance for Hirschsprung disease, susceptibility to, 1. Last evaluated: 2023-07-02. Review status: criteria provided, single submitter. Criteria: ACMG Guidelines, 2015. Collection method: clinical testing. Allele origin: unknown.

Literature cited by the submitters: PubMed 34646395 (cited by Labcorp Genetics (formerly Invitae), Labcorp and Ambry Genetics).